The following is an entry in ClinVar:

NM_012330.4(KAT6B):c.4631C>A (p.Ala1544Asp)

Gene: KAT6B (lysine acetyltransferase 6B; plus strand). Cytogenetic location: 10q22.2.
Variant type: single nucleotide variant.
Coding change: c.4631C>A on transcript NM_012330.4 (MANE Select); coding-DNA position 4631, C replaced by A.
Protein change: p.Ala1544Asp; replaces alanine 1544 with aspartic acid.
Molecular consequence: missense variant.
Genome position (GRCh38, 1-based): chr10:75,029,455, C>A. VCF-style: chr10-75029455-C-A. GRCh37 (hg19) VCF-style: chr10-76789213-C-A.
Other names: c.4082C>A, p.Ala1361Asp (NM_001256468.2, NM_001370138.1); c.3755C>A, p.Ala1252Asp (NM_001256469.2, NM_001370139.1, NM_001370140.1 and 2 more transcripts); c.3593C>A, p.Ala1198Asp (NM_001370132.1); c.2942C>A, p.Ala981Asp (NM_001370133.1); c.2546C>A, p.Ala849Asp (NM_001370134.1); c.2288C>A, p.Ala763Asp (NM_001370135.1); c.4631C>A, p.Ala1544Asp (NM_001370136.1, NM_001370137.1); c.3566C>A, p.Ala1189Asp (NM_001370143.1, NM_001370144.1); short protein forms A1189D, A1361D, A1544D, A1198D, A849D, A981D, A1252D, A763D.
Identifiers: ClinVar variation 4795300 (VCV004795300.2).

ClinVar aggregate classification (germline): Uncertain significance (1 of 4 stars; one submission).

Submission:

GeneDx
Classification: Uncertain significance. Last evaluated: 2026-04-23. Review status: criteria provided, single submitter. Criteria: GeneDx Variant Classification Process June 2021. Collection method: clinical testing. Allele origin: germline.
Comment: Not observed at significant frequency in large population cohorts (gnomAD); In silico analysis supports that this missense variant has a deleterious effect on protein structure/function; Has not been previously published as pathogenic or benign to our knowledge